The following is an entry in ClinVar:

ClinVar aggregate classification (germline): Uncertain significance (1 of 4 stars; one submission).

Submission:

GeneDx
Classification: Uncertain significance. Last evaluated: 2022-04-15. Review status: criteria provided, single submitter. Criteria: GeneDx Variant Classification Process June 2021. Collection method: clinical testing. Allele origin: germline. Affected: yes.
Comment: Not observed at significant frequency in large population cohorts (gnomAD); In silico analysis supports that this missense variant has a deleterious effect on protein structure/function; Has not been previously published as pathogenic or benign to our knowledge

NM_001330288.2(SMARCC2):c.351G>A (p.Met117Ile)

Gene: SMARCC2 (SWI/SNF related BAF chromatin remodeling complex subunit C2; minus strand). Cytogenetic location: 12q13.2.
Variant type: single nucleotide variant.
Coding change: c.351G>A on transcript NM_001330288.2 (MANE Select); coding-DNA position 351, G replaced by A.
Protein change: p.Met117Ile; replaces methionine 117 with isoleucine.
Molecular consequence: missense variant.
Genome position (GRCh38, 1-based): chr12:56,185,078, C>T on the plus strand (G>A on the coding strand, the complement: SMARCC2 is on the minus strand). VCF-style: chr12-56185078-C-T. GRCh37 (hg19) VCF-style: chr12-56578862-C-T.
Other names: c.351G>A, p.Met117Ile (NM_001130420.3, NM_003075.5, NM_139067.4); short protein forms M117I.
Identifiers: ClinVar variation 1710891 (VCV001710891.2), dbSNP rs2540960336, ClinGen allele CA385265472.